The following is an entry in ClinVar:

NM_021224.6(ZNF462):c.6942C>A (p.Ser2314Arg)

Genes: ZNF462 (zinc finger protein 462; plus strand), LOC340512 (uncharacterized LOC340512; minus strand). Cytogenetic location: 9q31.2.
Variant type: single nucleotide variant.
Coding change: c.6942C>A on transcript NM_021224.6 (MANE Select); coding-DNA position 6942, C replaced by A.
Protein change: p.Ser2314Arg; replaces serine 2314 with arginine.
Molecular consequence: missense variant.
Genome position (GRCh38, 1-based): chr9:106,984,295, C>A. VCF-style: chr9-106984295-C-A. GRCh37 (hg19) VCF-style: chr9-109746576-C-A.
Other names: c.4347C>A, p.Ser1449Arg (NM_001347997.2); short protein forms S1449R, S2314R.
Identifiers: ClinVar variation 1800897 (VCV001800897.1), dbSNP rs2539495563, ClinGen allele CA374660530.

ClinVar aggregate classification (germline): Uncertain significance (1 of 4 stars; one submission).

Submission:

GeneDx
Classification: Uncertain significance. Last evaluated: 2022-05-23. Review status: criteria provided, single submitter. Criteria: GeneDx Variant Classification Process June 2021. Collection method: clinical testing. Allele origin: germline. Affected: yes.
Comment: Not observed at significant frequency in large population cohorts (gnomAD); In silico analysis supports that this missense variant does not alter protein structure/function; Has not been previously published as pathogenic or benign to our knowledge